The following is an entry in ClinVar:

NM_033004.4(NLRP1):c.2326A>T (p.Arg776Ter)

Gene: NLRP1 (NLR family pyrin domain containing 1; minus strand). Cytogenetic location: 17p13.2.
Variant type: single nucleotide variant.
Coding change: c.2326A>T on transcript NM_033004.4 (MANE Select); coding-DNA position 2326, A replaced by T.
Protein change: p.Arg776Ter; replaces arginine 776 with a stop codon.
Molecular consequence: nonsense.
Genome position (GRCh38, 1-based): chr17:5,558,370, T>A on the plus strand (A>T on the coding strand, the complement: NLRP1 is on the minus strand). VCF-style: chr17-5558370-T-A. GRCh37 (hg19) VCF-style: chr17-5461690-T-A.
Other names: c.2326A>T, p.Arg776Ter (NM_001033053.3, NM_014922.5, NM_033006.4 and 1 more transcripts); short protein forms R776*.
Identifiers: ClinVar variation 4732339 (VCV004732339.3).

ClinVar aggregate classification (germline): Uncertain significance. Review status: criteria provided, multiple submitters, no conflicts (2 of 4 stars). 2 submissions from 2 submitters: Uncertain significance (2). Last evaluated 2026-04-24.

Submissions (2):

Dasa
Classification: Uncertain significance. Last evaluated: 2026-04-24. Review status: criteria provided, single submitter. Criteria: DASA Assertion Criteria. Collection method: clinical testing. Allele origin: germline.
Comment: NM_033004.4(NLRP1):c.2326A>T (p.Arg776*) is a nonsense variant in NLRP1 predicted to introduce a premature termination codon. This variant is rare in population databases. The currently available literature and clinical evidence are not sufficient to establish a definitive association between this variant and the reported condition. Therefore, this variant is classified as a variant of uncertain significance.

Labcorp Genetics (formerly Invitae), Labcorp
Classification: Uncertain significance. Last evaluated: 2026-01-06. Review status: criteria provided, single submitter. Criteria: Invitae Variant Classification Sherloc (09022015). Collection method: clinical testing. Allele origin: germline.
Comment: This sequence change creates a premature translational stop signal (p.Arg776*) in the NLRP1 gene. It is expected to result in an absent or disrupted protein product. However, the current clinical and genetic evidence is not sufficient to establish whether loss-of-function variants in NLRP1 cause disease. This variant is not present in population databases (gnomAD no frequency). This variant has not been reported in the literature in individuals affected with NLRP1-related conditions. In summary, the available evidence is currently insufficient to determine the role of this variant in disease. Therefore, it has been classified as a Variant of Uncertain Significance.